The following is an entry in ClinVar:

ClinVar aggregate classification (germline): Benign/Likely benign. Review status: criteria provided, multiple submitters, no conflicts (2 of 4 stars). 3 submissions from 3 submitters: Benign (1); Likely benign (2). Last evaluated 2026-02-16.

Conditions:
Ataxia-telangiectasia syndrome (AT). Also called: LOUIS-BAR SYNDROME; Cerebello-oculocutaneous telangiectasia; Immunodeficiency with ataxia telangiectasia; Ataxia telangiectasia (A-T); Ataxia-telangiectasia, complementation group D; AT, COMPLEMENTATION GROUP C. Identifiers: Orphanet 100, MedGen C0004135, MONDO:0008840, OMIM 208900.
Familial cancer of breast. Also called: BREAST CANCER, FAMILIAL; Hereditary breast cancer; hereditary breast carcinoma. Identifiers: Orphanet 227535, MedGen C0346153, MONDO:0016419, OMIM 114480. Disease mechanism: loss of function.
Hereditary cancer-predisposing syndrome. Also called: Tumor predisposition; Neoplastic Syndromes, Hereditary; Hereditary Cancer Syndrome; Hereditary neoplastic syndrome. Identifiers: Orphanet 140162, MedGen C0027672, MeSH D009386, MONDO:0015356.

Submissions (3):

Ambry Genetics
Classification: Likely benign for Hereditary cancer-predisposing syndrome. Last evaluated: 2026-02-16. Review status: criteria provided, single submitter. Criteria: Ambry Variant Classification Scheme 2023. Collection method: clinical testing. Allele origin: germline.

Myriad Genetics, Inc.
Classification: Benign for Familial cancer of breast. Last evaluated: 2024-06-13. Review status: criteria provided, single submitter. Criteria: Myriad Autosomal Dominant, Autosomal Recessive and X-Linked Classification Criteria (2023). Collection method: clinical testing. Allele origin: unknown.
Comment: This variant is considered benign. This variant is a silent/synonymous amino acid change and it is not expected to impact splicing.

Labcorp Genetics (formerly Invitae), Labcorp
Classification: Likely benign for Ataxia-telangiectasia syndrome. Last evaluated: 2023-08-02. Review status: criteria provided, single submitter. Criteria: Invitae Variant Classification Sherloc (09022015). Collection method: clinical testing. Allele origin: germline.

NM_000051.4(ATM):c.7119A>G (p.Gly2373=)

Genes: C11orf65 (chromosome 11 open reading frame 65; minus strand), ATM (ATM serine/threonine kinase; plus strand). Cytogenetic location: 11q22.3.
Variant type: single nucleotide variant.
Coding change: c.7119A>G on transcript NM_000051.4 (MANE Select); coding-DNA position 7119, A replaced by G.
Protein change: p.Gly2373=; no amino-acid change (glycine 2373 retained).
Molecular consequence: synonymous variant. On other transcripts: intron variant (2).
Genome position (GRCh38, 1-based): chr11:108,329,050, A>G. VCF-style: chr11-108329050-A-G. GRCh37 (hg19) VCF-style: chr11-108199777-A-G.
Other names: c.7119A>G, p.Gly2373= (NM_001351834.2); c.641-19979T>C (NM_001330368.2); c.*38+6170T>C (NM_001351110.2).
Identifiers: ClinVar variation 2749206 (VCV002749206.5), dbSNP rs2136411613, ClinGen allele CA476676682.
Genomic context (GRCh38, chr11:108,329,050, plus strand): 5'-TATAATTTAAATTGGTTGTGTTTTCTTGAAGGCAGTAGAAGTTGCTGGAAATTATGATGG[A>G]GAAAGTAGTGATGAGCTAAGAAATGGAAAAATGAAGGCATTTCTCTCATTAGCCCGGTTT-3'
Protein context (NP_000042.3, residues 2363-2383): KAVEVAGNYD[Gly2373=]ESSDELRNGK